The following is an entry in ClinVar:

NM_004629.2(FANCG):c.1760G>A (p.Trp587Ter)

Gene: FANCG (FA complementation group G; minus strand). Cytogenetic location: 9p13.3.
Variant type: single nucleotide variant.
Coding change: c.1760G>A on transcript NM_004629.2 (MANE Select); coding-DNA position 1760, G replaced by A.
Protein change: p.Trp587Ter; replaces tryptophan 587 with a stop codon.
Molecular consequence: nonsense.
Genome position (GRCh38, 1-based): chr9:35,074,371, C>T on the plus strand (G>A on the coding strand, the complement: FANCG is on the minus strand). VCF-style: chr9-35074371-C-T. GRCh37 (hg19) VCF-style: chr9-35074368-C-T.
Other names: short protein forms W587*.
Identifiers: ClinVar variation 3697222 (VCV003697222.2).
Genomic context (GRCh38, chr9:35,074,371, plus strand): 5'-TCCAAGGACTCTAGGACACCAACTGCCCCTCAGCCCCAAGCCAGCAGGCCTGAGCCTCAC[C>T]ACAGAGCATCTTCATGTGACCCCTTAGTTTGGGCCTCCAGCCTCCACCAGAGTGCAGTGG-3'

ClinVar aggregate classification (germline): Uncertain significance (1 of 4 stars; one submission).

Conditions:
Fanconi anemia (FA). Also called: Fanconi's anemia. Identifiers: Orphanet 84, MedGen C0015625, MeSH D005199, MONDO:0019391.

gnomAD v4.1: 1 of 1,614,190 alleles (0.000062%); highest among the groups gnomAD compares: African/African-American, 0.0013%; no homozygotes.

Submission:

Labcorp Genetics (formerly Invitae), Labcorp
Classification: Uncertain significance for Fanconi anemia. Last evaluated: 2024-05-15. Review status: criteria provided, single submitter. Criteria: Invitae Variant Classification Sherloc (09022015). Collection method: clinical testing. Allele origin: germline.
Comment: This sequence change creates a premature translational stop signal (p.Trp587*) in the FANCG gene. While this is not anticipated to result in nonsense mediated decay, it is expected to disrupt the last 36 amino acid(s) of the FANCG protein. This variant is present in population databases (no rsID available, gnomAD 0.007%). This variant has not been reported in the literature in individuals affected with FANCG-related conditions. Experimental studies and prediction algorithms are not available or were not evaluated, and the functional significance of this variant is currently unknown. Algorithms developed to predict the effect of sequence changes on RNA splicing suggest that this variant may disrupt the consensus splice site. This variant disrupts the C-terminus of the FANCG protein. Other variant(s) that disrupt this region (p.Leu591Argfs*3) have been observed in individuals with FANCG-related conditions (Invitae). This suggests that this may be a clinically significant region of the protein. In summary, the available evidence is currently insufficient to determine the role of this variant in disease. Therefore, it has been classified as a Variant of Uncertain Significance.